The following is an entry in ClinVar:

ClinVar aggregate classification (germline): Uncertain significance (1 of 4 stars; one submission).

Submission:

GeneDx
Classification: Uncertain significance. Last evaluated: 2026-04-11. Review status: criteria provided, single submitter. Criteria: GeneDx Variant Classification Process June 2021. Collection method: clinical testing. Allele origin: germline.
Comment: Not observed at significant frequency in large population cohorts (gnomAD); In silico analysis supports that this missense variant has a deleterious effect on protein structure/function; Has not been previously published as pathogenic or benign to our knowledge

NM_004699.4(FAM50A):c.538C>T (p.Arg180Trp)

Gene: FAM50A (family with sequence similarity 50 member A; plus strand). Cytogenetic location: Xq28.
Variant type: single nucleotide variant.
Coding change: c.538C>T on transcript NM_004699.4 (MANE Select); coding-DNA position 538, C replaced by T.
Protein change: p.Arg180Trp; replaces arginine 180 with tryptophan.
Molecular consequence: missense variant.
Genome position (GRCh38, 1-based): chrX:154,448,708, C>T. VCF-style: chrX-154448708-C-T. GRCh37 (hg19) VCF-style: chrX-153677056-C-T.
Other names: short protein forms R180W.
Identifiers: ClinVar variation 3360361 (VCV003360361.2).